The following is an entry in ClinVar:

NM_001377.3(DYNC2H1):c.12157-1G>T

Gene: DYNC2H1 (dynein cytoplasmic 2 heavy chain 1; plus strand). Cytogenetic location: 11q22.3.
Variant type: single nucleotide variant.
Coding change: c.12157-1G>T on transcript NM_001377.3 (MANE Select); the canonical splice acceptor site of the intron before coding-DNA position 12157, G replaced by T.
Molecular consequence: splice acceptor variant.
Genome position (GRCh38, 1-based): chr11:103,399,662, G>T. VCF-style: chr11-103399662-G-T. GRCh37 (hg19) VCF-style: chr11-103270390-G-T.
Other names: c.12178-1G>T (NM_001080463.2).
Identifiers: ClinVar variation 2869021 (VCV002869021.3), dbSNP rs2497265324, ClinGen allele CA382269076.
Genomic context (GRCh38, chr11:103,399,662, plus strand): 5'-CGTTTTATATATCAGTGATCTGTGTTACTATTCGGTAAATATTATGACATTTTTCTTTTA[G>T]AATTCAAACCTAATACATCAGAAAGTGCCTCCTCCTAACGATCGACAAGGATCTCCAATA-3'

ClinVar aggregate classification (germline): Likely pathogenic (1 of 4 stars; one submission).

Conditions:
Jeune thoracic dystrophy. Also called: Jeune syndrome; Infantile thoracic dystrophy; Thoracic pelvic phalangeal dystrophy; Jeune's syndrome; Chondroectodermal dysplasia-like syndrome; Short-rib thoracic dysplasia. Identifiers: Orphanet 474, MedGen C0265275, MONDO:0018770.

Submission:

Labcorp Genetics (formerly Invitae), Labcorp
Classification: Likely pathogenic for Jeune thoracic dystrophy. Last evaluated: 2023-03-08. Review status: criteria provided, single submitter. Criteria: Invitae Variant Classification Sherloc (09022015). Collection method: clinical testing. Allele origin: germline.
Comment: This sequence change affects an acceptor splice site in intron 84 of the DYNC2H1 gene. It is expected to disrupt RNA splicing. Variants that disrupt the donor or acceptor splice site typically lead to a loss of protein function (PMID: 16199547), and loss-of-function variants in DYNC2H1 are known to be pathogenic (PMID: 23339108, 32753734). This variant is not present in population databases (gnomAD no frequency). This variant has not been reported in the literature in individuals affected with DYNC2H1-related conditions. Algorithms developed to predict the effect of sequence changes on RNA splicing suggest that this variant may disrupt the consensus splice site. In summary, the currently available evidence indicates that the variant is pathogenic, but additional data are needed to prove that conclusively. Therefore, this variant has been classified as Likely Pathogenic.

Literature cited by the submitters: PubMed 16199547; PubMed 23339108; PubMed 32753734.